The following is an entry in ClinVar:

NM_006940.6(SOX5):c.750A>G (p.Arg250=)

Gene: SOX5 (SRY-box transcription factor 5; minus strand). Cytogenetic location: 12p12.1.
Variant type: single nucleotide variant.
Coding change: c.750A>G on transcript NM_006940.6 (MANE Select); coding-DNA position 750, A replaced by G.
Protein change: p.Arg250=; no amino-acid change (arginine 250 retained).
Molecular consequence: synonymous variant.
Genome position (GRCh38, 1-based): chr12:23,734,744, T>C on the plus strand (A>G on the coding strand, the complement: SOX5 is on the minus strand). VCF-style: chr12-23734744-T-C. GRCh37 (hg19) VCF-style: chr12-23887678-T-C.
Other names: c.711A>G, p.Arg237= (NM_001261414.3, NM_152989.5); c.720A>G, p.Arg240= (NM_001261415.3); c.645A>G, p.Arg215= (NM_001330785.2).
Identifiers: ClinVar variation 771751 (VCV000771751.28), dbSNP rs144824530, ClinGen allele CA6484251.
Genomic context (GRCh38, chr12:23,734,744, plus strand): 5'-CTGGATCTGTTGCTGGAGCAAATTGATTTTGTGTTGTTGCTGTAGAAGCTGCTGCTGCTG[T>C]CTTGCAATCTGTGAAGAAATTGCACATGAGAAATTTACAAGTATATTGTAGTCCCGGAGG-3'
Protein context (NP_008871.3, residues 240-260): LAKQQQEQIA[Arg250=]QQQQLLQQQH

ClinVar aggregate classification (germline): Benign/Likely benign. Review status: criteria provided, multiple submitters, no conflicts (2 of 4 stars). 3 submissions from 3 submitters: Benign (1); Likely benign (2). Last evaluated 2024-10-04.

Allele frequency attached by ClinVar (database versions not stated): TOPMed 0.00066; ESP Exome Variant Server 0.00077; 1000 Genomes Project 30x 0.00078; 1000 Genomes Project 0.00100; gnomAD exomes 0.00146 and 0.00176; gnomAD 0.00147 and 0.00153; ExAC 0.00149.
gnomAD v4.1: 2,327 of 1,612,996 alleles (0.14%); highest among the groups gnomAD compares: Non-Finnish European, 0.13%; 7 homozygotes.

Submissions (3):

Blueprint Genetics
Classification: Likely benign. Last evaluated: 2024-10-04. Review status: criteria provided, single submitter. Criteria: ACMG Guidelines, 2015. Collection method: clinical testing. Allele origin: germline.

CeGaT Center for Human Genetics Tuebingen
Classification: Likely benign. Last evaluated: 2023-04-01. Review status: criteria provided, single submitter. Criteria: CeGaT Center For Human Genetics Tuebingen Variant Classification Criteria Version 2. Collection method: clinical testing. Allele origin: germline. Affected: yes. Observed: 1 variant allele.
Comment: SOX5: BP4, BP7, BS1

Labcorp Genetics (formerly Invitae), Labcorp
Classification: Benign. Last evaluated: 2018-06-26. Review status: criteria provided, single submitter. Criteria: Invitae Variant Classification Sherloc (09022015). Collection method: clinical testing. Allele origin: germline.